The following is an entry in ClinVar:

ClinVar aggregate classification (germline): Uncertain significance. Review status: criteria provided, multiple submitters, no conflicts (2 of 4 stars). 5 submissions from 5 submitters: Uncertain significance (5). Last evaluated 2024-10-29.

Conditions:
Inborn genetic diseases. Identifiers: MedGen C0950123, MeSH D030342.
Familial hyperaldosteronism type II. Also called: FH II. Identifiers: Orphanet 404, MedGen C1854107, MONDO:0011576, OMIM 605635.
Epilepsy, idiopathic generalized, susceptibility to, 11 (EIG11). Identifiers: Orphanet 307, MedGen C2750893, MONDO:0011875, OMIM 607628.
Leukoencephalopathy with mild cerebellar ataxia and white matter edema (LKPAT). Also called: Leukoencephalopathy with ataxia; Leukoencephalopathy with white matter edema; Brain white matter edema; CLCN2-Related Leukoencephalopathy. Identifiers: Orphanet 363540, MedGen C4554120, MONDO:0014292, OMIM 615651. Disease mechanism: loss of function.
Epilepsy. Also called: Seizure disorder. Identifiers: MedGen C0014544, MeSH D004827, MONDO:0005027.

Allele frequency attached by ClinVar (database versions not stated): gnomAD exomes 0.00001; TOPMed 0.00003; gnomAD 0.00004 and 0.00005.
gnomAD v4.1: 24 of 1,609,120 alleles (0.0015%); highest among the groups gnomAD compares: Admixed American, 0.0084%; no homozygotes.

Submissions (5):

Labcorp Genetics (formerly Invitae), Labcorp
Classification: Uncertain significance. Last evaluated: 2024-10-29. Review status: criteria provided, single submitter. Criteria: Invitae Variant Classification Sherloc (09022015). Collection method: clinical testing. Allele origin: germline.
Comment: This sequence change replaces arginine, which is basic and polar, with glutamine, which is neutral and polar, at codon 598 of the CLCN2 protein (p.Arg598Gln). The frequency data for this variant in the population databases is considered unreliable, as metrics indicate poor data quality at this position in the gnomAD database. This variant has not been reported in the literature in individuals affected with CLCN2-related conditions. ClinVar contains an entry for this variant (Variation ID: 1495010). Invitae Evidence Modeling of protein sequence and biophysical properties (such as structural, functional, and spatial information, amino acid conservation, physicochemical variation, residue mobility, and thermodynamic stability) indicates that this missense variant is not expected to disrupt CLCN2 protein function with a negative predictive value of 80%. In summary, the available evidence is currently insufficient to determine the role of this variant in disease. Therefore, it has been classified as a Variant of Uncertain Significance.

Blueprint Genetics
Classification: Uncertain significance. Last evaluated: 2024-09-23. Review status: criteria provided, single submitter. Criteria: ACMG Guidelines, 2015. Collection method: clinical testing. Allele origin: germline.

Ambry Genetics
Classification: Uncertain significance for Inborn genetic diseases. Last evaluated: 2023-02-28. Review status: criteria provided, single submitter. Criteria: Ambry Variant Classification Scheme 2023. Collection method: clinical testing. Allele origin: germline.

Fulgent Genetics
Classification: Uncertain significance for Familial hyperaldosteronism type II; Epilepsy, idiopathic generalized, susceptibility to, 11; Leukoencephalopathy with mild cerebellar ataxia and white matter edema. Last evaluated: 2022-04-11. Review status: criteria provided, single submitter. Criteria: ACMG Guidelines, 2015. Collection method: clinical testing. Allele origin: unknown.

Department of Pathology and Laboratory Medicine, Sinai Health System
Classification: Uncertain significance for epilepsy. Last evaluated: 2021-10-08. Review status: criteria provided, single submitter. Criteria: ACMG Guidelines, 2015. Collection method: research. Allele origin: germline.

NM_004366.6(CLCN2):c.1793G>A (p.Arg598Gln)

Gene: CLCN2 (chloride voltage-gated channel 2; minus strand). Cytogenetic location: 3q27.1.
Variant type: single nucleotide variant.
Coding change: c.1793G>A on transcript NM_004366.6 (MANE Select); coding-DNA position 1793, G replaced by A.
Protein change: p.Arg598Gln; replaces arginine 598 with glutamine.
Molecular consequence: missense variant.
Genome position (GRCh38, 1-based): chr3:184,353,724, C>T on the plus strand (G>A on the coding strand, the complement: CLCN2 is on the minus strand). VCF-style: chr3-184353724-C-T. GRCh37 (hg19) VCF-style: chr3-184071512-C-T.
Other names: c.1742G>A, p.Arg581Gln (NM_001171087.3); c.1661G>A, p.Arg554Gln (NM_001171088.3); c.1793G>A, p.Arg598Gln (NM_001171089.3); c.1793G>A (NM_004366.4); short protein forms R581Q, R598Q, R554Q.
Identifiers: ClinVar variation 1495010 (VCV001495010.10), dbSNP rs780348130, ClinGen allele CA2733987.